The following is an entry in ClinVar:

NM_145725.3(TRAF3):c.1509C>T (p.Ser503=)

Gene: TRAF3 (TNF receptor associated factor 3; plus strand). Cytogenetic location: 14q32.32.
Variant type: single nucleotide variant.
Coding change: c.1509C>T on transcript NM_145725.3 (MANE Select); coding-DNA position 1509, C replaced by T.
Protein change: p.Ser503=; no amino-acid change (serine 503 retained).
Molecular consequence: synonymous variant.
Genome position (GRCh38, 1-based): chr14:102,905,586, C>T. VCF-style: chr14-102905586-C-T. GRCh37 (hg19) VCF-style: chr14-103371923-C-T.
Other names: c.1260C>T, p.Ser420= (NM_001199427.2); c.1368C>T, p.Ser456= (NM_001385142.1); c.1428C>T, p.Ser476= (NM_001385143.1); c.1509C>T, p.Ser503= (NM_003300.4); c.1434C>T, p.Ser478= (NM_145726.3).
Identifiers: ClinVar variation 540501 (VCV000540501.36), dbSNP rs138943371, ClinGen allele CA7359615.

ClinVar aggregate classification (germline): Benign/Likely benign. Review status: criteria provided, multiple submitters, no conflicts (2 of 4 stars). 5 submissions from 5 submitters: Benign (1); Likely benign (2). 2 of the submissions do not count toward it. Last evaluated 2026-09-01.

Conditions:
Immunodeficiency 132A. Also called: Herpes simplex encephalitis, susceptibility to, 3. Identifiers: Orphanet 1930, MedGen C3553868, MONDO:0013920, OMIM 614849.

Allele frequency attached by ClinVar (database versions not stated): gnomAD exomes 0.00260 and 0.00306; ESP Exome Variant Server 0.00300; TOPMed 0.00196; ExAC 0.00249; 1000 Genomes Project 0.00160; gnomAD 0.00272 and 0.00282; 1000 Genomes Project 30x 0.00141.
gnomAD v4.1: 4,847 of 1,614,156 alleles (0.3%); highest among the groups gnomAD compares: Non-Finnish European, 0.33%; 17 homozygotes.

Submissions (5):

CeGaT Center for Human Genetics Tuebingen
Classification: Likely benign. Last evaluated: 2026-09-01. Review status: criteria provided, single submitter. Criteria: CeGaT Center For Human Genetics Tuebingen Variant Classification Criteria Version 2. Collection method: clinical testing. Allele origin: germline. Affected: yes. Observed: 7 variant alleles.
Comment: TRAF3: BP4, BP7

Labcorp Genetics (formerly Invitae), Labcorp
Classification: Benign for Immunodeficiency 132A. Last evaluated: 2026-01-26. Review status: criteria provided, single submitter. Criteria: Invitae Variant Classification Sherloc (09022015). Collection method: clinical testing. Allele origin: germline.

Blueprint Genetics
Classification: Likely benign. Last evaluated: 2024-11-11. Review status: criteria provided, single submitter. Criteria: ACMG Guidelines, 2015. Collection method: clinical testing. Allele origin: germline.

Clinical Genetics DNA and cytogenetics Diagnostics Lab, Erasmus MC, Erasmus Medical Center
Classification: Likely benign. Review status: no assertion criteria provided. Collection method: clinical testing. Allele origin: germline. Affected: yes. Study: VKGL Data-share Consensus. Not counted in ClinVar's aggregate classification.

Genome Diagnostics Laboratory, University Medical Center Utrecht
Classification: Likely benign. Review status: no assertion criteria provided. Collection method: clinical testing. Allele origin: germline. Affected: yes. Study: VKGL Data-share Consensus. Not counted in ClinVar's aggregate classification.